The following is an entry in ClinVar:

NM_000018.4(ACADVL):c.1355_1356delinsAGAAGACCGTCCTGTA (p.Leu452fs)

Gene: ACADVL (acyl-CoA dehydrogenase very long chain; plus strand). Cytogenetic location: 17p13.1.
Variant type: Indel.
Coding change: c.1355_1356delinsAGAAGACCGTCCTGTA on transcript NM_000018.4 (MANE Select); coding-DNA positions 1355 to 1356, TC replaced by AGAAGACCGTCCTGTA.
Protein change: p.Leu452fs; shifts the reading frame from leucine 452.
Molecular consequence: frameshift variant.
Genome position (GRCh38, 1-based): chr17:7,223,990-7,223,991, TC replaced by AGAAGACCGTCCTGTA. VCF-style: chr17-7223990-TC-AGAAGACCGTCCTGTA. GRCh37 (hg19) VCF-style: chr17-7127309-TC-AGAAGACCGTCCTGTA.
Other names: c.1289_1290delinsAGAAGACCGTCCTGTA, p.Leu430fs (NM_001033859.3); c.1424_1425delinsAGAAGACCGTCCTGTA, p.Leu475fs (NM_001270447.2); c.1127_1128delinsAGAAGACCGTCCTGTA, p.Leu376fs (NM_001270448.2); short protein forms L376fs, L430fs, L452fs, L475fs.
Identifiers: ClinVar variation 5011638 (VCV005011638.1).
Genomic context (GRCh38, chr17:7,223,990, plus strand): 5'-CTCAGCACGGGCATATAATTTGTGTGGCCCTGTGCTAGGAACCTGGAGTAGAGCGTGTGC[TC>AGAAGACCGTCCTGTA]CGAGATCTTCGCATCTTCCGGATCTTTGAGGGGACAAATGACATTCTTCGGCTGTTTGTG-3'

ClinVar aggregate classification (germline): Pathogenic (1 of 4 stars; one submission).

Conditions:
Very long chain acyl-CoA dehydrogenase deficiency (ACADVLD). Also called: VLCAD Deficiency; Very Long-Chain Acyl-Coenzyme A Dehydrogenase Deficiency. Identifiers: Orphanet 26793, MedGen C3887523, MONDO:0008723, OMIM 201475.

Submission:

Myriad Genetics, Inc.
Classification: Pathogenic for Very long chain acyl-CoA dehydrogenase deficiency. Last evaluated: 2023-09-10. Review status: criteria provided, single submitter. Criteria: Myriad Autosomal Dominant, Autosomal Recessive and X-Linked Classification Criteria (2023). Collection method: clinical testing. Allele origin: unknown.
Comment: NM_000018.3(ACADVL):c.1355_1356del2ins16(L452Qfs*45) is expected to be pathogenic in the context of very-long-chain acyl-CoA dehydrogenase deficiency. This variant is predicted to lead to an abnormal or absent protein product due to the creation of a premature termination codon in ACADVL, a gene where loss-of-function variants are known to be pathogenic. Please note: this variant was assessed in the context of healthy population screening.